The following is an entry in ClinVar:

ClinVar aggregate classification (germline): Pathogenic (1 of 4 stars; one submission).

Conditions:
Severe combined immunodeficiency due to DCLRE1C deficiency (RS-SCID). Also called: SCID, AUTOSOMAL RECESSIVE, T CELL-NEGATIVE, B CELL-NEGATIVE, NK CELL-POSITIVE, WITH SENSITIVITY TO IONIZING RADIATION. Identifiers: Orphanet 275, MedGen C1865371, MONDO:0011225, OMIM 602450.

gnomAD v4.1: 1 of 1,613,044 alleles (0.000062%); highest among the groups gnomAD compares: Non-Finnish European, 0.000085%; no homozygotes.

Submission:

Labcorp Genetics (formerly Invitae), Labcorp
Classification: Pathogenic for Athabaskan severe combined immunodeficiency. Last evaluated: 2023-08-30. Review status: criteria provided, single submitter. Criteria: Invitae Variant Classification Sherloc (09022015). Collection method: clinical testing. Allele origin: germline.
Comment: For these reasons, this variant has been classified as Pathogenic. Algorithms developed to predict the effect of sequence changes on RNA splicing suggest that this variant may disrupt the consensus splice site. This variant has not been reported in the literature in individuals affected with DCLRE1C-related conditions. This variant is not present in population databases (gnomAD no frequency). This sequence change creates a premature translational stop signal (p.Glu263*) in the DCLRE1C gene. It is expected to result in an absent or disrupted protein product. Loss-of-function variants in DCLRE1C are known to be pathogenic (PMID: 21664875, 26123418).

Literature cited by the submitters: PubMed 21664875; PubMed 26123418.

NM_001033855.3(DCLRE1C):c.787G>T (p.Glu263Ter)

Gene: DCLRE1C (DNA cross-link repair 1C; minus strand). Cytogenetic location: 10p13.
Variant type: single nucleotide variant.
Coding change: c.787G>T on transcript NM_001033855.3 (MANE Select); coding-DNA position 787, G replaced by T.
Protein change: p.Glu263Ter; replaces glutamic acid 263 with a stop codon.
Molecular consequence: nonsense. On other transcripts: non-coding transcript variant (4).
Genome position (GRCh38, 1-based): chr10:14,928,146, C>A on the plus strand (G>T on the coding strand, the complement: DCLRE1C is on the minus strand). VCF-style: chr10-14928146-C-A. GRCh37 (hg19) VCF-style: chr10-14970145-C-A.
Other names: c.427G>T, p.Glu143Ter (NM_001033857.3, NM_001033858.3, NM_001289077.2 and 2 more transcripts); c.442G>T, p.Glu148Ter (NM_001289076.2, NM_001289078.2, NM_001350966.2 and 1 more transcripts); c.787G>T, p.Glu263Ter (NM_001350965.2); short protein forms E143*, E148*, E263*.
Identifiers: ClinVar variation 2756746 (VCV002756746.3), dbSNP rs2491948309, ClinGen allele CA376056216.
Genomic context (GRCh38, chr10:14,928,146, plus strand): 5'-GGAGTGGAATTCTATTTCTGGAAGTAATTCCACAGGGTAATTTGCTCCACTGAAAATATT[C>A]CTCTGCCTAAAAAAGATAAAAAGCATAGAAAAACAGTTCTACATTTTCTACAAATCTGTT-3'